The following is an entry in ClinVar:

NM_006231.4(POLE):c.3779C>T (p.Ala1260Val)

Gene: POLE (DNA polymerase epsilon, catalytic subunit; minus strand). Cytogenetic location: 12q24.33.
Variant type: single nucleotide variant.
Coding change: c.3779C>T on transcript NM_006231.4 (MANE Select); coding-DNA position 3779, C replaced by T.
Protein change: p.Ala1260Val; replaces alanine 1260 with valine.
Molecular consequence: missense variant.
Genome position (GRCh38, 1-based): chr12:132,649,693, G>A on the plus strand (C>T on the coding strand, the complement: POLE is on the minus strand). VCF-style: chr12-132649693-G-A. GRCh37 (hg19) VCF-style: chr12-133226279-G-A.
Other names: short protein forms A1260V.
Identifiers: ClinVar variation 1378274 (VCV001378274.6), dbSNP rs2138612498, ClinGen allele CA387385956.

ClinVar aggregate classification (germline): Uncertain significance (1 of 4 stars; one submission).

Allele frequency attached by ClinVar (database versions not stated): gnomAD exomes below 0.00001.
gnomAD v4.1: 1 of 1,614,022 alleles (0.000062%); highest among the groups gnomAD compares: Non-Finnish European, 0.000085%; no homozygotes.

Submission:

Labcorp Genetics (formerly Invitae), Labcorp
Classification: Uncertain significance. Last evaluated: 2021-08-28. Review status: criteria provided, single submitter. Criteria: Invitae Variant Classification Sherloc (09022015). Collection method: clinical testing. Allele origin: germline.
Comment: This variant has not been reported in the literature in individuals affected with POLE-related conditions. This variant is not present in population databases (ExAC no frequency). This sequence change replaces alanine with valine at codon 1260 of the POLE protein (p.Ala1260Val). The alanine residue is weakly conserved and there is a small physicochemical difference between alanine and valine. In summary, the available evidence is currently insufficient to determine the role of this variant in disease. Therefore, it has been classified as a Variant of Uncertain Significance. Algorithms developed to predict the effect of missense changes on protein structure and function output the following: SIFT: "Tolerated"; PolyPhen-2: "Benign"; Align-GVGD: "Class C0". The valine amino acid residue is found in multiple mammalian species, which suggests that this missense change does not adversely affect protein function.